The following is an entry in ClinVar:

NM_001127222.2(CACNA1A):c.3990-19C>G

Gene: CACNA1A (calcium voltage-gated channel subunit alpha1 A; minus strand). Cytogenetic location: 19p13.13.
Variant type: single nucleotide variant.
Coding change: c.3990-19C>G on transcript NM_001127222.2 (MANE Select); 19 bases into the intron before coding-DNA position 3990, C replaced by G.
Molecular consequence: intron variant.
Genome position (GRCh38, 1-based): chr19:13,262,852, G>C on the plus strand (C>G on the coding strand, the complement: CACNA1A is on the minus strand). VCF-style: chr19-13262852-G-C. GRCh37 (hg19) VCF-style: chr19-13373666-G-C.
Other names: c.3993-19C>G (NM_001127221.2, NM_001174080.2); c.4002-19C>G (NM_000068.4, NM_023035.3).
Identifiers: ClinVar variation 4530663 (VCV004530663.1).

ClinVar aggregate classification (germline): Likely pathogenic (1 of 4 stars; one submission).

Conditions:
Episodic ataxia type 2 (EA2). Also called: ACETAZOLAMIDE-RESPONSIVE HEREDITARY PAROXYSMAL CEREBELLAR ATAXIA; ATAXIA, EPISODIC, WITH NYSTAGMUS; ATAXIA, FAMILIAL PAROXYSMAL; CEREBELLAR ATAXIA, PAROXYSMAL, ACETAZOLAMIDE-RESPONSIVE; CEREBELLOPATHY, HEREDITARY PAROXYSMAL; EPISODIC ATAXIA, NYSTAGMUS-ASSOCIATED. Identifiers: Orphanet 97, MedGen C1720416, MONDO:0007163, OMIM 108500.

Submission:

Brais Lab, Montreal Neurological Institute
Classification: Likely pathogenic for Episodic ataxia type 2. Last evaluated: 2025-11-10. Review status: criteria provided, single submitter. Criteria: ACMG Guidelines, 2015. Collection method: research. Allele origin: germline. Inheritance: Autosomal dominant inheritance. Affected: yes.
Comment: The NM_001127222.2: c.3990-19C>G is predicted to impair splicing and to produce the inclusion of 18 nucleotides, including a premature stop codon and likely results in an absent or disrupted protein product (PVS1). cDNA validation in fibroblasts from one patient, confirmed this splicing effect experimentally (PS3). This variant was absent in gnomAD (PM2) and segregated in a large autosomal dominant family.

Literature cited by the submitters: PubMed 37177896.